The following is an entry in ClinVar:

ClinVar aggregate classification (germline): Uncertain significance. Review status: criteria provided, multiple submitters, no conflicts (2 of 4 stars). 2 submissions from 2 submitters: Uncertain significance (2). Last evaluated 2024-12-22.

Conditions:
Developmental and epileptic encephalopathy, 42 (DEE42A). Also called: DEVELOPMENTAL AND EPILEPTIC ENCEPHALOPATHY 42A; EPILEPTIC ENCEPHALOPATHY, EARLY INFANTILE, 42A; Epileptic encephalopathy, early infantile, 42. Identifiers: MedGen C4310716, MONDO:0014917, OMIM 617106.
Episodic ataxia type 2 (EA2). Also called: ATAXIA, EPISODIC, WITH NYSTAGMUS; ATAXIA, FAMILIAL PAROXYSMAL; CEREBELLAR ATAXIA, PAROXYSMAL, ACETAZOLAMIDE-RESPONSIVE; CEREBELLOPATHY, HEREDITARY PAROXYSMAL; EPISODIC ATAXIA, NYSTAGMUS-ASSOCIATED; ACETAZOLAMIDE-RESPONSIVE HEREDITARY PAROXYSMAL CEREBELLAR ATAXIA. Identifiers: Orphanet 97, MedGen C1720416, MONDO:0007163, OMIM 108500.

gnomAD v4.1: 12 of 1,613,266 alleles (0.00074%); highest among the groups gnomAD compares: Non-Finnish European, 0.001%; no homozygotes.

Submissions (2):

Labcorp Genetics (formerly Invitae), Labcorp
Classification: Uncertain significance for Developmental and epileptic encephalopathy, 42; Episodic ataxia type 2. Last evaluated: 2024-12-22. Review status: criteria provided, single submitter. Criteria: Invitae Variant Classification Sherloc (09022015). Collection method: clinical testing. Allele origin: germline.
Comment: This sequence change replaces glycine, which is neutral and non-polar, with aspartic acid, which is acidic and polar, at codon 1084 of the CACNA1A protein (p.Gly1084Asp). This variant is not present in population databases (gnomAD no frequency). This variant has not been reported in the literature in individuals affected with CACNA1A-related conditions. Invitae Evidence Modeling of protein sequence and biophysical properties (such as structural, functional, and spatial information, amino acid conservation, physicochemical variation, residue mobility, and thermodynamic stability) indicates that this missense variant is not expected to disrupt CACNA1A protein function with a negative predictive value of 95%. In summary, the available evidence is currently insufficient to determine the role of this variant in disease. Therefore, it has been classified as a Variant of Uncertain Significance.

GeneDx
Classification: Uncertain significance. Last evaluated: 2024-05-30. Review status: criteria provided, single submitter. Criteria: GeneDx Variant Classification Process June 2021. Collection method: clinical testing. Allele origin: germline. Affected: yes.
Comment: Not observed at significant frequency in large population cohorts (gnomAD); In silico analysis indicates that this missense variant does not alter protein structure/function; Has not been previously published as pathogenic or benign to our knowledge

NM_001127222.2(CACNA1A):c.3248G>A (p.Gly1083Asp)

Gene: CACNA1A (calcium voltage-gated channel subunit alpha1 A; minus strand). Cytogenetic location: 19p13.13.
Variant type: single nucleotide variant.
Coding change: c.3248G>A on transcript NM_001127222.2 (MANE Select); coding-DNA position 3248, G replaced by A.
Protein change: p.Gly1083Asp; replaces glycine 1083 with aspartic acid.
Molecular consequence: missense variant.
Genome position (GRCh38, 1-based): chr19:13,286,808, C>T on the plus strand (G>A on the coding strand, the complement: CACNA1A is on the minus strand). VCF-style: chr19-13286808-C-T. GRCh37 (hg19) VCF-style: chr19-13397622-C-T.
Other names: c.3260G>A, p.Gly1087Asp (NM_000068.4, NM_023035.3); c.3251G>A, p.Gly1084Asp (NM_001127221.2, NM_001174080.2); short protein forms G1083D, G1084D, G1087D.
Identifiers: ClinVar variation 3383692 (VCV003383692.3).